The following is an entry in ClinVar:

NM_000551.4(VHL):c.340+783A>C

Genes: VHL (von Hippel-Lindau tumor suppressor; plus strand), LOC107303340 (3p25 von Hippel-Lindau tumor suppressor, E3 ubiquitin protein ligase Alu-mediated recombination region; plus strand). Cytogenetic location: 3p25.3.
Variant type: single nucleotide variant.
Coding change: c.340+783A>C on transcript NM_000551.4 (MANE Select); 783 bases into the intron after coding-DNA position 340, A replaced by C.
Molecular consequence: intron variant. On other transcripts: missense variant (1), non-coding transcript variant (1).
Genome position (GRCh38, 1-based): chr3:10,142,970, A>C. VCF-style: chr3-10142970-A-C. GRCh37 (hg19) VCF-style: chr3-10184654-A-C.
Other names: c.548A>C, p.His183Pro (NM_001354723.2); c.340+783A>C (NM_198156.3); short protein forms H183P.
Identifiers: ClinVar variation 3750714 (VCV003750714.2).

ClinVar aggregate classification (germline): Uncertain significance (1 of 4 stars; one submission).

Conditions:
Chuvash polycythemia. Also called: POLYCYTHEMIA, VHL-DEPENDENT. Identifiers: Orphanet 238557, MedGen C1837915, MONDO:0009892, OMIM 263400.
Von Hippel-Lindau syndrome (VHLS). Also called: Von Hippel-Lindau; von Hippel–Lindau syndrome; VHL syndrome. Identifiers: Orphanet 892, MedGen C0019562, MONDO:0008667, OMIM 193300. Disease mechanism: loss of function.

Submission:

Labcorp Genetics (formerly Invitae), Labcorp
Classification: Uncertain significance for Von Hippel-Lindau syndrome; Chuvash polycythemia. Last evaluated: 2024-06-07. Review status: criteria provided, single submitter. Criteria: Invitae Variant Classification Sherloc (09022015). Collection method: clinical testing. Allele origin: germline.
Comment: This sequence change falls in intron 1 of the VHL gene. It is not expected to change the encoded amino acid sequence of the VHL protein. However, this sequence change falls within a cryptic exon in the VHL gene, known as exon E1’, which is naturally expressed at low levels in several human tissues (PMID: 29891534). This variant is not present in population databases (gnomAD no frequency). This variant has not been reported in the literature in individuals affected with VHL-related conditions. Algorithms developed to predict the effect of sequence changes on RNA splicing suggest that this variant is not likely to affect RNA splicing. In summary, the available evidence is currently insufficient to determine the role of this variant in disease. Therefore, it has been classified as a Variant of Uncertain Significance.

Literature cited by the submitters: PubMed 29891534.